The following is an entry in ClinVar:

ClinVar aggregate classification (germline): Pathogenic. Review status: criteria provided, multiple submitters, no conflicts (2 of 4 stars). 4 submissions from 4 submitters: Pathogenic (3). 1 of the submissions does not count toward it. Last evaluated 2025-09-02.

Conditions:
Inborn genetic diseases. Identifiers: MedGen C0950123, MeSH D030342.
KCND2-related neurodevelopmental disorder.
Early Myoclonic Encephalopathy. Identifiers: MedGen C0270855.

Submissions (4):

Labcorp Genetics (formerly Invitae), Labcorp
Classification: Pathogenic for Early Myoclonic Encephalopathy. Last evaluated: 2025-09-02. Review status: criteria provided, single submitter. Criteria: Invitae Variant Classification Sherloc (09022015). Collection method: clinical testing. Allele origin: germline.
Comment: This sequence change replaces valine, which is neutral and non-polar, with methionine, which is neutral and non-polar, at codon 404 of the KCND2 protein (p.Val404Met). This variant is not present in population databases (gnomAD no frequency). This missense change has been observed in individual(s) with seizures, autism and language delay (PMID: 24501278; internal data). In at least one individual the variant was observed to be de novo. ClinVar contains an entry for this variant (Variation ID: 144007). Invitae Evidence Modeling of protein sequence and biophysical properties (such as structural, functional, and spatial information, amino acid conservation, physicochemical variation, residue mobility, and thermodynamic stability) indicates that this missense variant is expected to disrupt KCND2 protein function with a positive predictive value of 95%. Experimental studies have shown that this missense change affects KCND2 function (PMID: 29581270). For these reasons, this variant has been classified as Pathogenic.

3billion
Classification: Pathogenic for KCND2 related neurodevelopmental disorder. Last evaluated: 2024-07-17. Review status: criteria provided, single submitter. Criteria: ACMG Guidelines, 2015. Collection method: clinical testing. Allele origin: germline. Affected: yes.
Comment: The variant is not observed in the gnomAD v4.0.0 dataset. Predicted Consequence/Location: Missense changes are a common disease-causing mechanism. Functional studies provide moderate evidence of the variant having a damaging effect on the gene or gene product (PMID: 24501278). In silico tool predictions suggest damaging effect of the variant on gene or gene product [REVEL: 0.92 (>=0.6, sensitivity 0.68 and specificity 0.92)]. The same nucleotide change resulting in the same amino acid change has been previously reported as pathogenic/likely pathogenic with strong evidence (ClinVar ID: VCV000144007 /PMID: 24501278). A different missense change at the same codon (p.Val404Leu) has been reported to be associated with KCND2-related disorder (PMID: 34245260). Therefore, this variant is classified as Pathogenic according to the recommendation of ACMG/AMP guideline.

Ambry Genetics
Classification: Pathogenic for Inborn genetic diseases. Last evaluated: 2023-05-30. Review status: criteria provided, single submitter. Criteria: Ambry Variant Classification Scheme 2023. Collection method: clinical testing. Allele origin: germline.
Comment: The c.1210G>A (p.V404M) alteration is located in exon 2 (coding exon 2) of the KCND2 gene. This alteration results from a G to A substitution at nucleotide position 1210, causing the valine (V) at amino acid position 404 to be replaced by a methionine (M). This variant was not reported in population-based cohorts in the Genome Aggregation Database (gnomAD). This alteration was reported as de novo in multiple unrelated individuals with KCND2-related neurodevelopmental disorder (Lee, 2014; Zhang, 2021). This amino acid position is highly conserved in available vertebrate species. This missense alteration is located in a region that has a low rate of benign missense variation (Lek, 2016; Firth, 2009). Overall, functional studies show aberrant channel activity in vitro (Lee, 2014; Lin, 2018; Zhang, 2021; Bavan, 2022). This alteration is predicted to be deleterious by in silico analysis. Based on the available evidence, this alteration is classified as pathogenic.

OMIM
Classification: Uncertain significance for VARIANT OF UNKNOWN SIGNIFICANCE. Last evaluated: 2014-07-01. Review status: no assertion criteria provided. Collection method: literature only. Allele origin: germline. Not counted in ClinVar's aggregate classification.

Literature cited by the submitters: PubMed 24501278 (cited by 4 submitters); PubMed 29581270 (cited by Labcorp Genetics (formerly Invitae), Labcorp and Ambry Genetics); PubMed 34245260 (cited by 3billion and Ambry Genetics); PubMed 35510384 (cited by Ambry Genetics); PubMed 41554648 (cited by OMIM).

NM_012281.3(KCND2):c.1210G>A (p.Val404Met)

Gene: KCND2 (potassium voltage-gated channel subfamily D member 2; plus strand). Cytogenetic location: 7q31.31.
Variant type: single nucleotide variant.
Coding change: c.1210G>A on transcript NM_012281.3 (MANE Select); coding-DNA position 1210, G replaced by A.
Protein change: p.Val404Met; replaces valine 404 with methionine.
Molecular consequence: missense variant.
Genome position (GRCh38, 1-based): chr7:120,732,997, G>A. VCF-style: chr7-120732997-G-A. GRCh37 (hg19) VCF-style: chr7-120373051-G-A.
Other names: short protein forms V404M.
Identifiers: ClinVar variation 144007 (VCV000144007.16), dbSNP rs587777631, ClinGen allele CA233041.
Genomic context (GRCh38, chr7:120,732,997, plus strand): 5'-AAGATTTTTGGTTCTATCTGTTCGCTGAGTGGGGTCTTGGTCATTGCTCTACCTGTTCCG[G>A]TGATTGTATCCAACTTCAGTCGCATCTACCACCAGAATCAACGAGCAGACAAACGAAGGG-3'
Protein context (NP_036413.1, residues 394-414): GVLVIALPVP[Val404Met]IVSNFSRIYH